The following is an entry in ClinVar:

NM_004629.2(FANCG):c.787C>G (p.Gln263Glu)

Gene: FANCG (FA complementation group G; minus strand). Cytogenetic location: 9p13.3.
Variant type: single nucleotide variant.
Coding change: c.787C>G on transcript NM_004629.2 (MANE Select); coding-DNA position 787, C replaced by G.
Protein change: p.Gln263Glu; replaces glutamine 263 with glutamic acid.
Molecular consequence: missense variant.
Genome position (GRCh38, 1-based): chr9:35,076,861, G>C on the plus strand (C>G on the coding strand, the complement: FANCG is on the minus strand). VCF-style: chr9-35076861-G-C. GRCh37 (hg19) VCF-style: chr9-35076858-G-C.
Other names: short protein forms Q263E.
Identifiers: ClinVar variation 570877 (VCV000570877.12), dbSNP rs149721361, ClinGen allele CA5039940.

ClinVar aggregate classification (germline): Uncertain significance. Review status: criteria provided, multiple submitters, no conflicts (2 of 4 stars). 5 submissions from 5 submitters: Uncertain significance (4). 1 of the submissions does not count toward it. Last evaluated 2026-10-01.

Conditions:
Fanconi anemia complementation group G. Also called: Fanconi anemia group G; FANCG-Related Fanconi Anemia. Identifiers: Orphanet 84, MedGen C3469527, MONDO:0013565, OMIM 614082.
Inborn genetic diseases. Identifiers: MedGen C0950123, MeSH D030342.
Fanconi anemia (FA). Also called: Fanconi's anemia. Identifiers: Orphanet 84, MedGen C0015625, MeSH D005199, MONDO:0019391.

gnomAD v4.1: 10 of 1,614,234 alleles (0.00062%); highest among the groups gnomAD compares: Admixed American, 0.012%; no homozygotes.

Submissions (5):

St. Jude Molecular Pathology, St. Jude Children's Research Hospital
Classification: Uncertain significance for Fanconi anemia complementation group G. Last evaluated: 2026-10-01. Review status: criteria provided, single submitter. Criteria: St. Jude Assertion Criteria 2020. Collection method: clinical testing. Allele origin: germline.
Comment: The FANCG c.787C>G p.(Gln263Glu) missense change has a maximum subpopulation freuqnecy of 0.01% in gnomAD v2.1.1. The in silico tool REVEL predicts a benign effect on protein function, but to our knowledge this prediction has not been confirmed by functional studies. To our knowledge, this variant has not been reported in individual s with Fanconi anemia. In summary, the evidence currently available is insufficient to determine the clinical significance of this variant. It has therefore been classified as of uncertain significance (VUS-Low).

Labcorp Genetics (formerly Invitae), Labcorp
Classification: Uncertain significance for Fanconi anemia. Last evaluated: 2025-06-27. Review status: criteria provided, single submitter. Criteria: Invitae Variant Classification Sherloc (09022015). Collection method: clinical testing. Allele origin: germline.
Comment: This sequence change replaces glutamine, which is neutral and polar, with glutamic acid, which is acidic and polar, at codon 263 of the FANCG protein (p.Gln263Glu). This variant is present in population databases (rs149721361, gnomAD 0.009%). This variant has not been reported in the literature in individuals affected with FANCG-related conditions. ClinVar contains an entry for this variant (Variation ID: 570877). Invitae Evidence Modeling of protein sequence and biophysical properties (such as structural, functional, and spatial information, amino acid conservation, physicochemical variation, residue mobility, and thermodynamic stability) indicates that this missense variant is expected to disrupt FANCG protein function with a positive predictive value of 80%. In summary, the available evidence is currently insufficient to determine the role of this variant in disease. Therefore, it has been classified as a Variant of Uncertain Significance.

Ambry Genetics
Classification: Uncertain significance for Inborn genetic diseases. Last evaluated: 2024-11-28. Review status: criteria provided, single submitter. Criteria: Ambry Variant Classification Scheme 2023. Collection method: clinical testing. Allele origin: germline.
Comment: The p.Q263E variant (also known as c.787C>G), located in coding exon 7 of the FANCG gene, results from a C to G substitution at nucleotide position 787. The glutamine at codon 263 is replaced by glutamic acid, an amino acid with highly similar properties. This amino acid position is conserved. In addition, this alteration is predicted to be tolerated by in silico analysis. Based on the available evidence, the clinical significance of this variant remains unclear.

Fulgent Genetics
Classification: Uncertain significance for Fanconi anemia complementation group G. Last evaluated: 2022-04-12. Review status: criteria provided, single submitter. Criteria: ACMG Guidelines, 2015. Collection method: clinical testing. Allele origin: unknown.

Natera, Inc.
Classification: Uncertain significance for Fanconi anemia group G. Last evaluated: 2019-10-28. Review status: no assertion criteria provided. Collection method: clinical testing. Allele origin: germline. Not counted in ClinVar's aggregate classification.